The following is an entry in ClinVar:

NM_004481.5(GALNT2):c.449C>T (p.Ser150Leu)

Gene: GALNT2 (polypeptide N-acetylgalactosaminyltransferase 2; plus strand). Cytogenetic location: 1q42.13.
Variant type: single nucleotide variant.
Coding change: c.449C>T on transcript NM_004481.5 (MANE Select); coding-DNA position 449, C replaced by T.
Protein change: p.Ser150Leu; replaces serine 150 with leucine.
Molecular consequence: missense variant.
Genome position (GRCh38, 1-based): chr1:230,236,088, C>T. VCF-style: chr1-230236088-C-T. GRCh37 (hg19) VCF-style: chr1-230371834-C-T.
Other names: c.335C>T, p.Ser112Leu (NM_001291866.2); short protein forms S112L, S150L.
Identifiers: ClinVar variation 1709527 (VCV001709527.2), dbSNP rs2527574095, ClinGen allele CA345180489.

ClinVar aggregate classification (germline): Uncertain significance (1 of 4 stars; one submission).

Conditions:
Congenital disorder of glycosylation, type iit. Also called: CDG IIt. Identifiers: MedGen C5394387, MONDO:0030043, OMIM 618885.

Allele frequency attached by ClinVar (database versions not stated): gnomAD exomes below 0.00001.
gnomAD v4.1: 1 of 1,614,040 alleles (0.000062%); highest among the groups gnomAD compares: Non-Finnish European, 0.000085%; no homozygotes.

Submission:

MGZ Medical Genetics Center
Classification: Uncertain significance for Congenital disorder of glycosylation, type iit. Last evaluated: 2022-08-10. Review status: criteria provided, single submitter. Criteria: ACMG Guidelines, 2015. Collection method: clinical testing. Allele origin: germline. Affected: yes. Observed: 2 variant alleles.
Comment: ACMG criteria applied: PM2_SUP, PP3